The following is an entry in ClinVar:

NM_004168.4(SDHA):c.313-1G>A

Gene: SDHA (succinate dehydrogenase complex flavoprotein subunit A; plus strand). Cytogenetic location: 5p15.33.
Variant type: single nucleotide variant.
Coding change: c.313-1G>A on transcript NM_004168.4 (MANE Select); the canonical splice acceptor site of the intron before coding-DNA position 313, G replaced by A.
Molecular consequence: splice acceptor variant. On other transcripts: intron variant (1).
Genome position (GRCh38, 1-based): chr5:225,418, G>A. VCF-style: chr5-225418-G-A. GRCh37 (hg19) VCF-style: chr5-225533-G-A.
Other names: c.313-1G>A (NM_001330758.2); c.313-465G>A (NM_001294332.2).
Identifiers: ClinVar variation 1727973 (VCV001727973.3), dbSNP rs2477293926, ClinGen allele CA359009173.

ClinVar aggregate classification (germline): Likely pathogenic (1 of 4 stars; one submission).

Conditions:
Hereditary cancer-predisposing syndrome. Also called: Tumor predisposition; Neoplastic Syndromes, Hereditary; Hereditary Cancer Syndrome; Hereditary neoplastic syndrome. Identifiers: Orphanet 140162, MedGen C0027672, MeSH D009386, MONDO:0015356.

Submission:

Ambry Genetics
Classification: Likely pathogenic for Hereditary cancer-predisposing syndrome. Last evaluated: 2025-09-10. Review status: criteria provided, single submitter. Criteria: Ambry Variant Classification Scheme 2023. Collection method: clinical testing. Allele origin: germline.
Comment: The c.313-1G>A intronic variant results from a G to A substitution one nucleotide upstream from coding exon 4 of the SDHA gene. This nucleotide position is highly conserved in available vertebrate species. In silico splice site analysis predicts that this alteration will weaken the native splice acceptor site and will result in the creation or strengthening of a novel splice acceptor site; however, direct evidence is insufficient at this time (Ambry internal data). This variant is considered to be rare based on population cohorts in the Genome Aggregation Database (gnomAD). Alterations that disrupt the canonical splice site are expected to cause aberrant splicing, resulting in an abnormal protein or a transcript that is subject to nonsense-mediated mRNA decay. As such, this alteration is classified as likely pathogenic.